The following is an entry in ClinVar:

NM_005630.3(SLCO2A1):c.823T>A (p.Phe275Ile)

Gene: SLCO2A1 (solute carrier organic anion transporter family member 2A1; minus strand). Cytogenetic location: 3q22.1.
Variant type: single nucleotide variant.
Coding change: c.823T>A on transcript NM_005630.3 (MANE Select); coding-DNA position 823, T replaced by A.
Protein change: p.Phe275Ile; replaces phenylalanine 275 with isoleucine.
Molecular consequence: missense variant.
Genome position (GRCh38, 1-based): chr3:133,951,246, A>T on the plus strand (T>A on the coding strand, the complement: SLCO2A1 is on the minus strand). VCF-style: chr3-133951246-A-T. GRCh37 (hg19) VCF-style: chr3-133670090-A-T.
Other names: c.823T>A (NM_005630.2); short protein forms F275I.
Identifiers: ClinVar variation 1908850 (VCV001908850.4), dbSNP rs150153024, ClinGen allele CA354617386.

ClinVar aggregate classification (germline): Uncertain significance. Review status: criteria provided, multiple submitters, no conflicts (2 of 4 stars). 2 submissions from 2 submitters: Uncertain significance (2). Last evaluated 2023-05-31.

Conditions:
Inborn genetic diseases. Identifiers: MedGen C0950123, MeSH D030342.

gnomAD v4.1: 3 of 1,614,052 alleles (0.00019%); highest among the groups gnomAD compares: Non-Finnish European, 0.000085%; no homozygotes.

Submissions (2):

Ambry Genetics
Classification: Uncertain significance for Inborn genetic diseases. Last evaluated: 2023-05-31. Review status: criteria provided, single submitter. Criteria: Ambry Variant Classification Scheme 2023. Collection method: clinical testing. Allele origin: germline.

Labcorp Genetics (formerly Invitae), Labcorp
Classification: Uncertain significance. Last evaluated: 2022-09-07. Review status: criteria provided, single submitter. Criteria: Invitae Variant Classification Sherloc (09022015). Collection method: clinical testing. Allele origin: germline.
Comment: This sequence change replaces phenylalanine, which is neutral and non-polar, with isoleucine, which is neutral and non-polar, at codon 275 of the SLCO2A1 protein (p.Phe275Ile). This variant is present in population databases (no rsID available, gnomAD 0.0009%). This variant has not been reported in the literature in individuals affected with SLCO2A1-related conditions. Algorithms developed to predict the effect of missense changes on protein structure and function are either unavailable or do not agree on the potential impact of this missense change (SIFT: "Tolerated"; PolyPhen-2: "Possibly Damaging"; Align-GVGD: "Class C0"). In summary, the available evidence is currently insufficient to determine the role of this variant in disease. Therefore, it has been classified as a Variant of Uncertain Significance.